The following is an entry in ClinVar:

ClinVar aggregate classification (germline): Uncertain significance (1 of 4 stars; one submission).

Conditions:
Epilepsy, progressive myoclonic, 1B. Also called: PME. Identifiers: Orphanet 308, MedGen C2676254, MONDO:0012904, OMIM 612437.

gnomAD v4.1: 1 of 1,614,084 alleles (0.000062%); highest among the groups gnomAD compares: Non-Finnish European, 0.000085%; no homozygotes.

Submission:

Labcorp Genetics (formerly Invitae), Labcorp
Classification: Uncertain significance for Epilepsy, progressive myoclonic, 1B. Last evaluated: 2023-10-13. Review status: criteria provided, single submitter. Criteria: Invitae Variant Classification Sherloc (09022015). Collection method: clinical testing. Allele origin: germline.
Comment: This sequence change replaces glutamic acid, which is acidic and polar, with aspartic acid, which is acidic and polar, at codon 434 of the PRICKLE1 protein (p.Glu434Asp). This variant is not present in population databases (gnomAD no frequency). This variant has not been reported in the literature in individuals affected with PRICKLE1-related conditions. ClinVar contains an entry for this variant (Variation ID: 1998927). An algorithm developed to predict the effect of missense changes on protein structure and function (PolyPhen-2) suggests that this variant is likely to be tolerated. In summary, the available evidence is currently insufficient to determine the role of this variant in disease. Therefore, it has been classified as a Variant of Uncertain Significance.

NM_153026.3(PRICKLE1):c.1302G>T (p.Glu434Asp)

Gene: PRICKLE1 (prickle planar cell polarity protein 1; minus strand). Cytogenetic location: 12q12.
Variant type: single nucleotide variant.
Coding change: c.1302G>T on transcript NM_153026.3 (MANE Select); coding-DNA position 1302, G replaced by T.
Protein change: p.Glu434Asp; replaces glutamic acid 434 with aspartic acid.
Molecular consequence: missense variant.
Genome position (GRCh38, 1-based): chr12:42,464,732, C>A on the plus strand (G>T on the coding strand, the complement: PRICKLE1 is on the minus strand). VCF-style: chr12-42464732-C-A. GRCh37 (hg19) VCF-style: chr12-42858534-C-A.
Other names: c.1302G>T, p.Glu434Asp (NM_001144881.2, NM_001144882.2, NM_001144883.2); short protein forms E434D.
Identifiers: ClinVar variation 1998927 (VCV001998927.4), dbSNP rs2503414261, ClinGen allele CA384442008.